The following is an entry in ClinVar:

ClinVar aggregate classification (germline): Uncertain significance. Review status: criteria provided, multiple submitters, no conflicts (2 of 4 stars). 5 submissions from 5 submitters: Uncertain significance (3). 2 of the submissions do not count toward it. Last evaluated 2024-12-14.

Conditions:
Cardiovascular phenotype. Identifiers: MedGen CN230736.
Alstrom syndrome (ALMS). Identifiers: Orphanet 64, MedGen C0268425, MONDO:0008763, OMIM 203800.

Allele frequency attached by ClinVar (database versions not stated): ExAC 0.00001; gnomAD exomes 0.00001; gnomAD 0.00002; TOPMed 0.00003; ESP Exome Variant Server 0.00017.
gnomAD v4.1: 21 of 1,613,972 alleles (0.0013%); highest among the groups gnomAD compares: East Asian, 0.0067%; no homozygotes.

Submissions (5):

Ambry Genetics
Classification: Uncertain significance for Cardiovascular phenotype. Last evaluated: 2024-12-14. Review status: criteria provided, single submitter. Criteria: Ambry Variant Classification Scheme 2023. Collection method: clinical testing. Allele origin: germline.
Comment: The p.Y1014C variant (also known as c.3041A>G), located in coding exon 8 of the ALMS1 gene, results from an A to G substitution at nucleotide position 3041. The tyrosine at codon 1014 is replaced by cysteine, an amino acid with highly dissimilar properties. This amino acid position is well conserved in available vertebrate species. In addition, this alteration is predicted to be tolerated by in silico analysis. Based on the available evidence, the clinical significance of this variant remains unclear.

Labcorp Genetics (formerly Invitae), Labcorp
Classification: Uncertain significance for Alstrom syndrome. Last evaluated: 2022-10-17. Review status: criteria provided, single submitter. Criteria: Invitae Variant Classification Sherloc (09022015). Collection method: clinical testing. Allele origin: germline.
Comment: This sequence change replaces tyrosine, which is neutral and polar, with cysteine, which is neutral and slightly polar, at codon 1014 of the ALMS1 protein (p.Tyr1014Cys). This variant is present in population databases (rs371893544, gnomAD 0.02%). This variant has not been reported in the literature in individuals affected with ALMS1-related conditions. ClinVar contains an entry for this variant (Variation ID: 551935). Experimental studies and prediction algorithms are not available or were not evaluated, and the functional significance of this variant is currently unknown. In summary, the available evidence is currently insufficient to determine the role of this variant in disease. Therefore, it has been classified as a Variant of Uncertain Significance.

Women's Health and Genetics/Laboratory Corporation of America, LabCorp
Classification: Uncertain significance. Last evaluated: 2020-03-10. Review status: criteria provided, single submitter. Criteria: LabCorp Variant Classification Summary - May 2015. Collection method: clinical testing. Allele origin: germline.
Comment: Variant summary: ALMS1 c.3035A>G (p.Tyr1012Cys) results in a non-conservative amino acid change in the encoded protein sequence. Three of five in-silico tools predict a damaging effect of the variant on protein function. The variant allele was found at a frequency of 1.2e-05 in 248668 control chromosomes. The available data on variant occurrences in the general population are insufficient to allow any conclusion about variant significance. To our knowledge, no occurrence of c.3035A>G in individuals affected with Cardiomyopathy and no experimental evidence demonstrating its impact on protein function have been reported. One clinical diagnostic laboratory has submitted clinical-significance assessments for this variant to ClinVar after 2014 without evidence for independent evaluation and classified the variant as uncertain significance. Based on the evidence outlined above, the variant was classified as uncertain significance.

Natera, Inc.
Classification: Uncertain significance for Alstrom syndrome. Last evaluated: 2019-10-28. Review status: no assertion criteria provided. Collection method: clinical testing. Allele origin: germline. Not counted in ClinVar's aggregate classification.

Counsyl
Classification: Uncertain significance for Alstrom syndrome. Last evaluated: 2017-05-12. Review status: no assertion criteria provided. Collection method: clinical testing. Allele origin: unknown. Not counted in ClinVar's aggregate classification.

NM_001378454.1(ALMS1):c.3038A>G (p.Tyr1013Cys)

Gene: ALMS1 (ALMS1 centrosome and basal body associated protein; plus strand). Cytogenetic location: 2p13.1.
Variant type: single nucleotide variant.
Coding change: c.3038A>G on transcript NM_001378454.1 (MANE Select); coding-DNA position 3038, A replaced by G.
Protein change: p.Tyr1013Cys; replaces tyrosine 1013 with cysteine.
Molecular consequence: missense variant.
Genome position (GRCh38, 1-based): chr2:73,449,565, A>G. VCF-style: chr2-73449565-A-G. GRCh37 (hg19) VCF-style: chr2-73676692-A-G.
Other names: c.3041A>G, p.Tyr1014Cys (NM_015120.4); short protein forms Y1014C, Y1013C.
Identifiers: ClinVar variation 551935 (VCV000551935.11), dbSNP rs371893544, ClinGen allele CA1713453.